The following is an entry in ClinVar:

ClinVar aggregate classification (germline): Uncertain significance (1 of 4 stars; one submission).

Conditions:
Cardiovascular phenotype. Identifiers: MedGen CN230736.

Allele frequency attached by ClinVar (database versions not stated): gnomAD exomes below 0.00001.
gnomAD v4.1: 2 of 1,600,096 alleles (0.00012%); highest among the groups gnomAD compares: Non-Finnish European, 0.00017%; no homozygotes.

Submission:

Ambry Genetics
Classification: Uncertain significance for Cardiovascular phenotype. Last evaluated: 2017-10-19. Review status: criteria provided, single submitter. Criteria: Ambry Variant Classification Scheme 2023. Collection method: clinical testing. Allele origin: germline.
Comment: The p.V123A variant (also known as c.368T>C), located in coding exon 4 of the TBX5 gene, results from a T to C substitution at nucleotide position 368. The valine at codon 123 is replaced by alanine, an amino acid with similar properties. This amino acid position is highly conserved in available vertebrate species. In addition, this alteration is predicted to be deleterious by in silico analysis. Since supporting evidence is limited at this time, the clinical significance of this alteration remains unclear.

NM_181486.4(TBX5):c.368T>C (p.Val123Ala)

Gene: TBX5 (T-box transcription factor 5; minus strand). Cytogenetic location: 12q24.21.
Variant type: single nucleotide variant.
Coding change: c.368T>C on transcript NM_181486.4 (MANE Select); coding-DNA position 368, T replaced by C.
Protein change: p.Val123Ala; replaces valine 123 with alanine.
Molecular consequence: missense variant.
Genome position (GRCh38, 1-based): chr12:114,398,715, A>G on the plus strand (T>C on the coding strand, the complement: TBX5 is on the minus strand). VCF-style: chr12-114398715-A-G. GRCh37 (hg19) VCF-style: chr12-114836520-A-G.
Other names: c.368T>C, p.Val123Ala (NM_000192.3); c.218T>C, p.Val73Ala (NM_080717.4); short protein forms V123A, V73A.
Identifiers: ClinVar variation 518868 (VCV000518868.5), dbSNP rs1555226329, ClinGen allele CA386862244.
Genomic context (GRCh38, chr12:114,398,715, plus strand): 5'-GCGGGGGAGTCTGGGTGCACGTACAGGCGGCCAGGCATGGCGGGCTCAGCTTTGCCCGTC[A>G]CAGACCTAGATGAAGGAGAGGTGTACTAGAGGCCTGGCTCAGAGTCTGGAGGTAGCGCAC-3'
Protein context (NP_852259.1, residues 113-133): RYKFADNKWS[Val123Ala]TGKAEPAMPG